The following is an entry in ClinVar:

ClinVar aggregate classification (germline): Uncertain significance (1 of 4 stars; one submission).

Conditions:
Hereditary cancer-predisposing syndrome. Also called: Neoplastic Syndromes, Hereditary; Tumor predisposition; Hereditary Cancer Syndrome; Hereditary neoplastic syndrome. Identifiers: Orphanet 140162, MedGen C0027672, MeSH D009386, MONDO:0015356.

gnomAD v4.1: 2 of 1,610,804 alleles (0.00012%); highest among the groups gnomAD compares: Non-Finnish European, 0.00017%; no homozygotes.

Submission:

Ambry Genetics
Classification: Uncertain significance for Hereditary cancer-predisposing syndrome. Last evaluated: 2020-12-01. Review status: criteria provided, single submitter. Criteria: Ambry Variant Classification Scheme 2023. Collection method: clinical testing. Allele origin: germline.
Comment: The c.1926+4A>G intronic variant results from an A to G substitution 4 nucleotides after coding exon 16 in the MRE11A gene. This nucleotide position is highly conserved in available vertebrate species. In silico splice site analysis predicts that this alteration will not have any significant effect on splicing. Since supporting evidence is limited at this time, the clinical significance of this alteration remains unclear.

NM_005591.4(MRE11):c.1926+4A>G

Gene: MRE11 (MRE11 double strand break repair nuclease; minus strand). Cytogenetic location: 11q21.
Variant type: single nucleotide variant.
Coding change: c.1926+4A>G on transcript NM_005591.4 (MANE Select); 4 bases into the intron after coding-DNA position 1926, A replaced by G.
Molecular consequence: intron variant.
Genome position (GRCh38, 1-based): chr11:94,437,173, T>C on the plus strand (A>G on the coding strand, the complement: MRE11 is on the minus strand). VCF-style: chr11-94437173-T-C. GRCh37 (hg19) VCF-style: chr11-94170339-T-C.
Other names: c.1923+4A>G (NM_001330347.2); c.1842+4A>G (NM_005590.4).
Identifiers: ClinVar variation 1800192 (VCV001800192.2), dbSNP rs876660210, ClinGen allele CA2580085059.
Genomic context (GRCh38, chr11:94,437,173, plus strand): 5'-TTGACAATTCATAATGCAGAAAACATAAATTATTAATACACAACCATAAAACTTTTTTTC[T>C]TACCTCTGAATAATTCTTAGTAGTGACATTTCGGGAAGGCTGCTGTCTTGTAGATTTAAA-3'